The following is an entry in ClinVar:

ClinVar aggregate classification (germline): Uncertain significance (1 of 4 stars; one submission).

Conditions:
Progressive sclerosing poliodystrophy (MTDPS4A). Also called: ALPERS PROGRESSIVE INFANTILE POLIODYSTROPHY; NEURONAL DEGENERATION OF CHILDHOOD WITH LIVER DISEASE, PROGRESSIVE; Alpers Syndrome; ALPERS DIFFUSE DEGENERATION OF CEREBRAL GRAY MATTER WITH HEPATIC CIRRHOSIS; Alpers-Huttenlocher Syndrome; Mitochondrial DNA depletion syndrome 4A (Alpers type). Identifiers: Orphanet 726, MedGen C0205710, MONDO:0008758, OMIM 203700.

Submission:

Labcorp Genetics (formerly Invitae), Labcorp
Classification: Uncertain significance for Progressive sclerosing poliodystrophy. Last evaluated: 2024-06-04. Review status: criteria provided, single submitter. Criteria: Invitae Variant Classification Sherloc (09022015). Collection method: clinical testing. Allele origin: germline.
Comment: This sequence change replaces phenylalanine, which is neutral and non-polar, with tyrosine, which is neutral and polar, at codon 539 of the POLG protein (p.Phe539Tyr). This variant is not present in population databases (gnomAD no frequency). This variant has not been reported in the literature in individuals affected with POLG-related conditions. Advanced modeling of protein sequence and biophysical properties (such as structural, functional, and spatial information, amino acid conservation, physicochemical variation, residue mobility, and thermodynamic stability) performed at Invitae indicates that this missense variant is not expected to disrupt POLG protein function with a negative predictive value of 95%. In summary, the available evidence is currently insufficient to determine the role of this variant in disease. Therefore, it has been classified as a Variant of Uncertain Significance.

NM_002693.3(POLG):c.1616T>A (p.Phe539Tyr)

Gene: POLG (DNA polymerase gamma, catalytic subunit; minus strand). Cytogenetic location: 15q26.1.
Variant type: single nucleotide variant.
Coding change: c.1616T>A on transcript NM_002693.3 (MANE Select); coding-DNA position 1616, T replaced by A.
Protein change: p.Phe539Tyr; replaces phenylalanine 539 with tyrosine.
Molecular consequence: missense variant.
Genome position (GRCh38, 1-based): chr15:89,326,708, A>T on the plus strand (T>A on the coding strand, the complement: POLG is on the minus strand). VCF-style: chr15-89326708-A-T. GRCh37 (hg19) VCF-style: chr15-89869939-A-T.
Other names: c.1616T>A, p.Phe539Tyr (NM_001126131.2); short protein forms F539Y.
Identifiers: ClinVar variation 3636637 (VCV003636637.2).